The following is an entry in ClinVar:

ClinVar aggregate classification (germline): Pathogenic (1 of 4 stars; one submission).

Conditions:
Retinoblastoma (RB1). Also called: RETINOBLASTOMA, SOMATIC. Identifiers: Orphanet 790, MedGen C0035335, MeSH D012175, MONDO:0008380, OMIM 180200, HP:0009919. Disease mechanism: loss of function. Inheritance: Both sporadic and heritable forms are tested..

Submission:

Genetic Diagnostic Laboratory, University of Pennsylvania School of Medicine
Classification: Pathogenic for Retinoblastoma. Last evaluated: 2024-05-20. Review status: criteria provided, single submitter. Criteria: ACMG Guidelines, 2015. Collection method: clinical testing. Allele origin: germline. Affected: yes. Observed: 2 variant alleles.
Comment: Case and Pedigree Information: BILATERAL CASES:1, UNILATERAL CASES:1, TOTAL CASES:2, PEDIGREES:2. ACMG Codes Applied:PVS1, PM2

NM_000321.3(RB1):c.2224_2225del (p.Val742fs)

Gene: RB1 (RB transcriptional corepressor 1; plus strand). Cytogenetic location: 13q14.2.
Variant type: Microsatellite.
Coding change: c.2224_2225del on transcript NM_000321.3 (MANE Select); coding-DNA positions 2224 to 2225, 2 bases deleted (GT; older notation c.2224_2225delGT).
Protein change: p.Val742fs; shifts the reading frame from valine 742.
Molecular consequence: frameshift variant.
Genome position (GRCh38, 1-based): chr13:48,465,010-48,465,011, GT deleted; deleting any 2 consecutive bases within chr13:48,465,008-48,465,011 gives the same sequence; the c. name uses the placement nearest the transcript's 3' end. VCF-style (leftmost placement, unchanged base first): chr13-48465007-CGT-C. GRCh37 (hg19) VCF-style: chr13-49039143-CGT-C.
Other names: c.2224_2225del, p.Val742fs (NM_001407165.1); short protein forms V742fs.
Identifiers: ClinVar variation 3237077 (VCV003237077.1), dbSNP rs2542375128.
Genomic context (GRCh38, chr13:48,465,007, plus strand): 5'-AGTAAATTTTACTTTTTTTTTTTTTTTTTTTTTTTTACTGTTCTTCCTCAGACATTCAAA[CGT>C]GTTTTGATCAAAGAAGAGGAGTATGATTCTATTATAGTATTCTATAACTCGGTCTTCATG-3'